The following is an entry in ClinVar:

NM_001330.5(CTF1):c.319C>T (p.Arg107Cys)

Genes: CTF1 (cardiotrophin 1; plus strand), LOC130058878 (ATAC-STARR-seq lymphoblastoid silent region 7400; plus strand). Cytogenetic location: 16p11.2.
Variant type: single nucleotide variant.
Coding change: c.319C>T on transcript NM_001330.5 (MANE Select); coding-DNA position 319, C replaced by T.
Protein change: p.Arg107Cys; replaces arginine 107 with cysteine.
Molecular consequence: missense variant. On other transcripts: non-coding transcript variant (1).
Genome position (GRCh38, 1-based): chr16:30,902,252, C>T. VCF-style: chr16-30902252-C-T. GRCh37 (hg19) VCF-style: chr16-30913573-C-T.
Other names: c.316C>T, p.Arg106Cys (NM_001142544.3); short protein forms R107C, R106C.
Identifiers: ClinVar variation 163018 (VCV000163018.4), dbSNP rs727502950, ClinGen allele CA175617.
Genomic context (GRCh38, chr16:30,902,252, plus strand): 5'-CTGCGGCTGGACGCGGCGGCGCTGGCCGCGCTGCCCCCGCTGCTGGACGCAGTGTGTCGC[C>T]GCCAGGCCGAGCTGAACCCGCGCGCGCCGCGCCTGCTGCGCCGCCTGGAGGACGCGGCGC-3'
Protein context (NP_001321.1, residues 97-117): LPPLLDAVCR[Arg107Cys]QAELNPRAPR

ClinVar aggregate classification (germline): Uncertain significance (1 of 4 stars; one submission).

Submission:

Laboratory for Molecular Medicine, Mass General Brigham Personalized Medicine
Classification: Uncertain significance. Last evaluated: 2014-01-17. Review status: criteria provided, single submitter. Criteria: LMM Criteria. Collection method: clinical testing. Allele origin: germline. Observed: 2 variant alleles.
Comment: The Arg107Cys variant in CTF1 has not been previously reported in any other fami lies with cardiomyopathy. Data from large population studies is insufficient to assess the frequency of this variant. Arginine (Arg) at position 107 is not cons erved in evolution, suggesting that a change may be tolerated. Additional compu tational analyses (biochemical amino acid properties, AlignGVGD, PolyPhen2, and SIFT) do not provide strong support for or against an impact to the protein. At this time, additional information is needed to fully assess the clinical signifi cance of the Arg107Cys variant.